The following is an entry in ClinVar:

ClinVar aggregate classification (germline): Uncertain significance. Review status: criteria provided, multiple submitters, no conflicts (2 of 4 stars). 4 submissions from 4 submitters: Uncertain significance (4). Last evaluated 2024-06-20.

Conditions:
Congenital dyserythropoietic anemia, type I. Also called: Dyserythropoietic anemia, congenital type 1. Identifiers: Orphanet 98869, MedGen C0271933, MONDO:0020337. Disease mechanism: loss of function.
Anemia, congenital dyserythropoietic, type 1a (CDAN1A). Also called: CDAN1-Related Congenital Dyserythropoietic Anemia; DYSERYTHROPOIETIC ANEMIA, CONGENITAL, TYPE Ia. Identifiers: MedGen C5574667, MONDO:0009135, OMIM 224120.
Inborn genetic diseases. Identifiers: MedGen C0950123, MeSH D030342.

Allele frequency attached by ClinVar (database versions not stated): ESP Exome Variant Server 0.00008; gnomAD 0.00012; ExAC 0.00013; gnomAD exomes 0.00015; 1000 Genomes Project 30x 0.00016; TOPMed 0.00018; 1000 Genomes Project 0.00020.
gnomAD v4.1: 87 of 1,613,842 alleles (0.0054%); highest among the groups gnomAD compares: Admixed American, 0.08%; no homozygotes.

Submissions (4):

Revvity Omics, Revvity
Classification: Uncertain significance for Anemia, congenital dyserythropoietic, type 1a. Last evaluated: 2024-06-20. Review status: criteria provided, single submitter. Criteria: ACMG Guidelines, 2015. Collection method: clinical testing. Allele origin: germline.

Labcorp Genetics (formerly Invitae), Labcorp
Classification: Uncertain significance. Last evaluated: 2022-08-19. Review status: criteria provided, single submitter. Criteria: Invitae Variant Classification Sherloc (09022015). Collection method: clinical testing. Allele origin: germline.
Comment: This sequence change replaces arginine, which is basic and polar, with glutamine, which is neutral and polar, at codon 934 of the CDAN1 protein (p.Arg934Gln). The frequency data for this variant in the population databases is considered unreliable, as metrics indicate poor data quality at this position in the gnomAD database. This variant has not been reported in the literature in individuals affected with CDAN1-related conditions. ClinVar contains an entry for this variant (Variation ID: 887007). Algorithms developed to predict the effect of missense changes on protein structure and function output the following: SIFT: "Tolerated"; PolyPhen-2: "Benign"; Align-GVGD: "Class C0". The glutamine amino acid residue is found in multiple mammalian species, which suggests that this missense change does not adversely affect protein function. In summary, the available evidence is currently insufficient to determine the role of this variant in disease. Therefore, it has been classified as a Variant of Uncertain Significance.

Ambry Genetics
Classification: Uncertain significance for Inborn genetic diseases. Last evaluated: 2021-08-13. Review status: criteria provided, single submitter. Criteria: Ambry Variant Classification Scheme 2023. Collection method: clinical testing. Allele origin: germline.

Illumina Laboratory Services, Illumina
Classification: Uncertain significance for Anemia, congenital dyserythropoietic, type 1a. Last evaluated: 2018-01-13. Review status: criteria provided, single submitter. Criteria: ICSL Variant Classification Criteria 13 December 2019. Collection method: clinical testing. Allele origin: germline.

NM_138477.4(CDAN1):c.2801G>A (p.Arg934Gln)

Gene: CDAN1 (codanin 1; minus strand). Cytogenetic location: 15q15.2.
Variant type: single nucleotide variant.
Coding change: c.2801G>A on transcript NM_138477.4 (MANE Select); coding-DNA position 2801, G replaced by A.
Protein change: p.Arg934Gln; replaces arginine 934 with glutamine.
Molecular consequence: missense variant.
Genome position (GRCh38, 1-based): chr15:42,728,655, C>T on the plus strand (G>A on the coding strand, the complement: CDAN1 is on the minus strand). VCF-style: chr15-42728655-C-T. GRCh37 (hg19) VCF-style: chr15-43020853-C-T.
Other names: short protein forms R934Q.
Identifiers: ClinVar variation 887007 (VCV000887007.7), dbSNP rs199753863, ClinGen allele CA7515468.
Genomic context (GRCh38, chr15:42,728,655, plus strand): 5'-AAGAAAGGACAGAGAAAGCCAAGAGGAGAGTGGATCAAATGGACCAGCGCTGCTTACTCC[C>T]GCCCCAGGGCCAATGCCTGGGCCCCGTGAGGGCACAGCTGGGAACACAAGATCTCCAACA-3'
Protein context (NP_612486.2, residues 924-944): PHGAQALALG[Arg934Gln]EFCQRKSPGA